The following is an entry in ClinVar:

ClinVar aggregate classification (germline): Uncertain significance (1 of 4 stars; one submission).

Submission:

Labcorp Genetics (formerly Invitae), Labcorp
Classification: Uncertain significance. Last evaluated: 2022-07-06. Review status: criteria provided, single submitter. Criteria: Invitae Variant Classification Sherloc (09022015). Collection method: clinical testing. Allele origin: germline.
Comment: In summary, the available evidence is currently insufficient to determine the role of this variant in disease. Therefore, it has been classified as a Variant of Uncertain Significance. Algorithms developed to predict the effect of missense changes on protein structure and function (SIFT, PolyPhen-2, Align-GVGD) all suggest that this variant is likely to be disruptive. ClinVar contains an entry for this variant (Variation ID: 1482331). This variant has not been reported in the literature in individuals affected with HMX1-related conditions. This variant is not present in population databases (gnomAD no frequency). This sequence change replaces arginine, which is basic and polar, with proline, which is neutral and non-polar, at codon 254 of the HMX1 protein (p.Arg254Pro).

NM_018942.3(HMX1):c.761G>C (p.Arg254Pro)

Gene: HMX1 (H6 family homeobox 1; minus strand). Cytogenetic location: 4p16.1.
Variant type: single nucleotide variant.
Coding change: c.761G>C on transcript NM_018942.3 (MANE Select); coding-DNA position 761, G replaced by C.
Protein change: p.Arg254Pro; replaces arginine 254 with proline.
Molecular consequence: missense variant. On other transcripts: intron variant (1).
Genome position (GRCh38, 1-based): chr4:8,867,979, C>G on the plus strand (G>C on the coding strand, the complement: HMX1 is on the minus strand). VCF-style: chr4-8867979-C-G. GRCh37 (hg19) VCF-style: chr4-8869705-C-G.
Other names: c.394+3242G>C (NM_001306142.2); short protein forms R254P.
Identifiers: ClinVar variation 1482331 (VCV001482331.8), dbSNP rs757272203, ClinGen allele CA356277872.